The following is an entry in ClinVar:

ClinVar aggregate classification (germline): Pathogenic (1 of 4 stars; one submission).

Submission:

Labcorp Genetics (formerly Invitae), Labcorp
Classification: Pathogenic. Last evaluated: 2023-01-13. Review status: criteria provided, single submitter. Criteria: Invitae Variant Classification Sherloc (09022015). Collection method: clinical testing. Allele origin: germline.
Comment: For these reasons, this variant has been classified as Pathogenic. Advanced modeling of protein sequence and biophysical properties (such as structural, functional, and spatial information, amino acid conservation, physicochemical variation, residue mobility, and thermodynamic stability) performed at Invitae indicates that this missense variant is expected to disrupt KDM3B protein function. This missense change has been observed in individual(s) with clinical features of KDM3B-related conditions (Invitae). In at least one individual the variant was observed to be de novo. This variant is not present in population databases (gnomAD no frequency). This sequence change replaces phenylalanine, which is neutral and non-polar, with leucine, which is neutral and non-polar, at codon 1502 of the KDM3B protein (p.Phe1502Leu).

NM_016604.4(KDM3B):c.4504T>C (p.Phe1502Leu)

Gene: KDM3B (lysine demethylase 3B; plus strand). Cytogenetic location: 5q31.2.
Variant type: single nucleotide variant.
Coding change: c.4504T>C on transcript NM_016604.4 (MANE Select); coding-DNA position 4504, T replaced by C.
Protein change: p.Phe1502Leu; replaces phenylalanine 1502 with leucine.
Molecular consequence: missense variant.
Genome position (GRCh38, 1-based): chr5:138,427,190, T>C. VCF-style: chr5-138427190-T-C. GRCh37 (hg19) VCF-style: chr5-137762879-T-C.
Other names: short protein forms F1502L.
Identifiers: ClinVar variation 2828011 (VCV002828011.3), dbSNP rs2480322874, ClinGen allele CA361093736.